The following is an entry in ClinVar:

ClinVar aggregate classification (germline): Uncertain significance (1 of 4 stars; one submission).

Conditions:
Hereditary breast ovarian cancer syndrome. Also called: Hereditary breast and ovarian cancer; Hereditary breast and ovarian cancer syndrome; Breast and ovarian cancer; BRCA1- and BRCA2-Associated Hereditary Breast and Ovarian Cancer; Hereditary breast and ovarian cancer syndrome (HBOC); Hereditary breast and/or ovarian cancer syndrome. Identifiers: Orphanet 145, MedGen C0677776, MeSH D061325, MONDO:0003582. Disease mechanism: loss of function.

Submission:

Labcorp Genetics (formerly Invitae), Labcorp
Classification: Uncertain significance for Hereditary breast ovarian cancer syndrome. Last evaluated: 2023-08-24. Review status: criteria provided, single submitter. Criteria: Invitae Variant Classification Sherloc (09022015). Collection method: clinical testing. Allele origin: germline.
Comment: In summary, the available evidence is currently insufficient to determine the role of this variant in disease. Therefore, it has been classified as a Variant of Uncertain Significance. Advanced modeling of protein sequence and biophysical properties (such as structural, functional, and spatial information, amino acid conservation, physicochemical variation, residue mobility, and thermodynamic stability) performed at Invitae indicates that this missense variant is not expected to disrupt BRCA1 protein function. This variant has not been reported in the literature in individuals affected with BRCA1-related conditions. This variant is not present in population databases (gnomAD no frequency). This sequence change replaces alanine, which is neutral and non-polar, with valine, which is neutral and non-polar, at codon 1308 of the BRCA1 protein (p.Ala1308Val).

NM_007294.4(BRCA1):c.3923C>T (p.Ala1308Val)

Genes: BRCA1 (BRCA1 DNA repair associated; minus strand), LOC126862571 (BRD4-independent group 4 enhancer GRCh37_chr17:41243136-41244335; plus strand). Cytogenetic location: 17q21.31.
Variant type: single nucleotide variant.
Coding change: c.3923C>T on transcript NM_007294.4 (MANE Select); coding-DNA position 3923, C replaced by T.
Protein change: p.Ala1308Val; replaces alanine 1308 with valine.
Molecular consequence: missense variant. On other transcripts: intron variant (135).
Genome position (GRCh38, 1-based): chr17:43,091,608, G>A on the plus strand (C>T on the coding strand, the complement: BRCA1 is on the minus strand). VCF-style: chr17-43091608-G-A. GRCh37 (hg19) VCF-style: chr17-41243625-G-A.
Other names: c.3797C>T, p.Ala1266Val (NM_001407687.1, NM_001407690.1, NM_001407691.1 and 11 more transcripts); c.3800C>T, p.Ala1267Val (NM_001407683.1, NM_001407863.1, NM_001407919.1 and 19 more transcripts); c.3923C>T, p.Ala1308Val (NM_001407684.1, NM_001407854.1, NM_001407858.1 and 30 more transcripts); c.3782C>T, p.Ala1261Val (NM_001407692.1, NM_001407694.1, NM_001407695.1 and 29 more transcripts); c.3779C>T, p.Ala1260Val (NM_001407740.1, NM_001407741.1, NM_001407742.1 and 20 more transcripts); c.3710C>T, p.Ala1237Val (NM_001407853.1, NM_001407894.1, NM_001407895.1 and 9 more transcripts); c.3920C>T, p.Ala1307Val (NM_001407860.1, NM_001407861.1, NM_001407587.1 and 22 more transcripts); c.3722C>T, p.Ala1241Val (NM_001407862.1); and 41 more; short protein forms A1196V, A1241V, A1012V, A1240V, A1261V, A1267V, A1281V, A1308V.
Identifiers: ClinVar variation 2754777 (VCV002754777.3), dbSNP rs2154276806, ClinGen allele CA10594113.